The following is an entry in ClinVar:

NM_001365536.1(SCN9A):c.1325C>T (p.Ala442Val)

Genes: SCN9A (sodium voltage-gated channel alpha subunit 9; minus strand), SCN1A-AS1 (SCN1A and SCN9A antisense RNA 1; plus strand). Cytogenetic location: 2q24.3.
Variant type: single nucleotide variant.
Coding change: c.1325C>T on transcript NM_001365536.1 (MANE Select); coding-DNA position 1325, C replaced by T.
Protein change: p.Ala442Val; replaces alanine 442 with valine.
Molecular consequence: missense variant.
Genome position (GRCh38, 1-based): chr2:166,286,613, G>A on the plus strand (C>T on the coding strand, the complement: SCN9A is on the minus strand). VCF-style: chr2-166286613-G-A. GRCh37 (hg19) VCF-style: chr2-167143123-G-A.
Other names: c.1325C>T, p.Ala442Val (NM_002977.4); short protein forms A442V.
Identifiers: ClinVar variation 538439 (VCV000538439.10), dbSNP rs773066209, ClinGen allele CA1944529.
Genomic context (GRCh38, chr2:166,286,613, plus strand): 5'-GAACTCTCTGAGAGGCCCATAATTCTGCTTCTCCTAATACTTGTATATTCAGCCGCTGCC[G>A]CTGCAATTGCCTGGTTGGGCCAAGACGTTAACACTTAAATGAGTCATTTCCAAATCCTAG-3'
Protein context (NP_001352465.1, residues 432-452): KEQEEAEAIA[Ala442Val]AAAEYTSIRR

ClinVar aggregate classification (germline): Uncertain significance. Review status: criteria provided, multiple submitters, no conflicts (2 of 4 stars). 2 submissions from 2 submitters: Uncertain significance (2). Last evaluated 2025-06-24.

Conditions:
Neuropathy, hereditary sensory and autonomic, type 2A (HSAN2A). Also called: ACROOSTEOLYSIS, GIACCAI TYPE; ACROOSTEOLYSIS, NEUROGENIC; MORVAN DISEASE; NEUROPATHY, CONGENITAL SENSORY; NEUROPATHY, HEREDITARY SENSORY RADICULAR, AUTOSOMAL RECESSIVE; NEUROPATHY, HEREDITARY SENSORY, TYPE IIA. Identifiers: Orphanet 970, MedGen C2752089, MONDO:0024309, OMIM 201300.
Generalized epilepsy with febrile seizures plus, type 7 (GEFSP7). Also called: GEFS+, TYPE 7. Identifiers: Orphanet 36387, MedGen C2751778, MONDO:0013470, OMIM 613863.
Inborn genetic diseases. Identifiers: MedGen C0950123, MeSH D030342.

gnomAD v4.1: 10 of 1,545,618 alleles (0.00065%); highest among the groups gnomAD compares: Non-Finnish European, 0.00078%; no homozygotes.

Submissions (2):

Labcorp Genetics (formerly Invitae), Labcorp
Classification: Uncertain significance for Neuropathy, hereditary sensory and autonomic, type 2A; Generalized epilepsy with febrile seizures plus, type 7. Last evaluated: 2025-06-24. Review status: criteria provided, single submitter. Criteria: Invitae Variant Classification Sherloc (09022015). Collection method: clinical testing. Allele origin: germline.
Comment: This sequence change replaces alanine, which is neutral and non-polar, with valine, which is neutral and non-polar, at codon 442 of the SCN9A protein (p.Ala442Val). The frequency data for this variant in the population databases is considered unreliable, as metrics indicate poor data quality at this position in the gnomAD database. This variant has not been reported in the literature in individuals affected with SCN9A-related conditions. ClinVar contains an entry for this variant (Variation ID: 538439). An algorithm developed to predict the effect of missense changes on protein structure and function outputs the following: PolyPhen-2: "Benign". The valine amino acid residue is found in multiple mammalian species, which suggests that this missense change does not adversely affect protein function. In summary, the available evidence is currently insufficient to determine the role of this variant in disease. Therefore, it has been classified as a Variant of Uncertain Significance.

Ambry Genetics
Classification: Uncertain significance for Inborn genetic diseases. Last evaluated: 2021-10-12. Review status: criteria provided, single submitter. Criteria: Ambry Variant Classification Scheme 2023. Collection method: clinical testing. Allele origin: germline.